The following is an entry in ClinVar:

NM_001035.3(RYR2):c.4093G>A (p.Ala1365Thr)

Genes: RYR2 (ryanodine receptor 2; plus strand), LOC126806067 (BRD4-independent group 4 enhancer GRCh37_chr1:237753258-237754457; plus strand). Cytogenetic location: 1q43.
Variant type: single nucleotide variant.
Coding change: c.4093G>A on transcript NM_001035.3 (MANE Select); coding-DNA position 4093, G replaced by A.
Protein change: p.Ala1365Thr; replaces alanine 1365 with threonine.
Molecular consequence: missense variant.
Genome position (GRCh38, 1-based): chr1:237,590,925, G>A. VCF-style: chr1-237590925-G-A. GRCh37 (hg19) VCF-style: chr1-237754225-G-A.
Other names: c.4093G>A (NM_001035.2); short protein forms A1365T.
Identifiers: ClinVar variation 921749 (VCV000921749.7), dbSNP rs1159247790, ClinGen allele CA345397727.
Genomic context (GRCh38, chr1:237,590,925, plus strand): 5'-GTTCTGATGAAGACAGCTCATGGCCATCTAGTGCCCGATCGTGTTGACAAAGACAAAGAA[G>A]CTACTAAACCAGAGTTTAACAACCACAAAGATTATGCCCAGGAAAAGCCCTCTCGTCTGA-3'
Protein context (NP_001026.2, residues 1355-1375): VPDRVDKDKE[Ala1365Thr]TKPEFNNHKD

ClinVar aggregate classification (germline): Conflicting classifications of pathogenicity. Review status: criteria provided, conflicting classifications (1 of 4 stars). 3 submissions from 3 submitters: Uncertain significance (2); Likely benign (1). Last evaluated 2024-09-16.

Conditions:
Cardiomyopathy (CMYO). Also called: Cardiomyopathies. Identifiers: Orphanet 167848, MedGen C0878544, MONDO:0004994, HP:0001638. Inheritance: Various modes of inheritance.
Cardiovascular phenotype. Identifiers: MedGen CN230736.
Long QT syndrome (LQTS). Identifiers: MedGen C0023976, MeSH D008133, MONDO:0002442. Disease mechanism: loss of function. Inheritance: Various modes of inheritance.

Allele frequency attached by ClinVar (database versions not stated): gnomAD exomes below 0.00001.
gnomAD v4.1: 2 of 1,613,862 alleles (0.00012%); highest among the groups gnomAD compares: Non-Finnish European, 0.000085%; no homozygotes.

Submissions (3):

Ambry Genetics
Classification: Uncertain significance for Cardiovascular phenotype. Last evaluated: 2024-09-16. Review status: criteria provided, single submitter. Criteria: Ambry Variant Classification Scheme 2023. Collection method: clinical testing. Allele origin: germline.

Color Diagnostics, LLC DBA Color Health
Classification: Likely benign for Cardiomyopathy. Last evaluated: 2024-09-04. Review status: criteria provided, single submitter. Criteria: ACMG Guidelines, 2015. Collection method: clinical testing. Allele origin: germline.

Dept of Medical Biology, Uskudar University
Classification: Uncertain significance for Long QT syndrome. Last evaluated: 2024-01-08. Review status: criteria provided, single submitter. Criteria: Dept of Medical Biology Variant Classification. Collection method: research. Allele origin: paternal. Affected: yes. Observed: 1 variant allele.
Comment: Criteria: PM2, PP2, BP4